The following is an entry in ClinVar:

ClinVar aggregate classification (germline): Uncertain significance (1 of 4 stars; one submission).

Conditions:
PLXNA1-related disorder. Also called: PLXNA1-related condition.

gnomAD v4.1: 11 of 1,613,414 alleles (0.00068%); highest among the groups gnomAD compares: East Asian, 0.0022%; no homozygotes.

Submission:

PreventionGenetics, part of Exact Sciences
Classification: Uncertain significance for PLXNA1-related condition. Last evaluated: 2024-10-08. Review status: criteria provided, single submitter. Criteria: ACMG Guidelines, 2015. Collection method: clinical testing. Allele origin: germline.
Comment: The PLXNA1 c.5498C>T variant is predicted to result in the amino acid substitution p.Ala1833Val. To our knowledge, this variant has not been reported in the literature. This variant is reported in 0.00088% of alleles in individuals of European (Non-Finnish) descent in gnomAD. At this time, the clinical significance of this variant is uncertain due to the absence of conclusive functional and genetic evidence.

NM_032242.4(PLXNA1):c.5498C>T (p.Ala1833Val)

Gene: PLXNA1 (plexin A1; plus strand). Cytogenetic location: 3q21.3.
Variant type: single nucleotide variant.
Coding change: c.5498C>T on transcript NM_032242.4 (MANE Select); coding-DNA position 5498, C replaced by T.
Protein change: p.Ala1833Val; replaces alanine 1833 with valine.
Molecular consequence: missense variant.
Genome position (GRCh38, 1-based): chr3:127,032,739, C>T. VCF-style: chr3-127032739-C-T. GRCh37 (hg19) VCF-style: chr3-126751582-C-T.
Other names: short protein forms A1833V.
Identifiers: ClinVar variation 4987539 (VCV004987539.1).